The following is an entry in ClinVar:

ClinVar aggregate classification (germline): Uncertain significance (1 of 4 stars; one submission).

Submission:

GeneDx
Classification: Uncertain significance. Last evaluated: 2019-10-02. Review status: criteria provided, single submitter. Criteria: GeneDx Variant Classification Process June 2021. Collection method: clinical testing. Allele origin: germline. Affected: yes.
Comment: Not observed in large population cohorts (Lek et al., 2016); In silico analysis, which includes protein predictors and evolutionary conservation, supports that this variant does not alter protein structure/function; Has not been previously published as pathogenic or benign to our knowledge

NM_004456.5(EZH2):c.1744G>A (p.Val582Ile)

Gene: EZH2 (enhancer of zeste 2 polycomb repressive complex 2 subunit; minus strand). Cytogenetic location: 7q36.1.
Variant type: single nucleotide variant.
Coding change: c.1744G>A on transcript NM_004456.5 (MANE Select); coding-DNA position 1744, G replaced by A.
Protein change: p.Val582Ile; replaces valine 582 with isoleucine.
Molecular consequence: missense variant.
Genome position (GRCh38, 1-based): chr7:148,814,066, C>T on the plus strand (G>A on the coding strand, the complement: EZH2 is on the minus strand). VCF-style: chr7-148814066-C-T. GRCh37 (hg19) VCF-style: chr7-148511158-C-T.
Other names: c.1729G>A, p.Val577Ile (NM_001203247.2); c.1702G>A, p.Val568Ile (NM_001203248.2); c.1576G>A, p.Val526Ile (NM_001203249.2); c.1612G>A, p.Val538Ile (NM_152998.3); short protein forms V526I, V538I, V568I, V577I, V582I.
Identifiers: ClinVar variation 1308899 (VCV001308899.2), dbSNP rs2129469817, ClinGen allele CA369713485.